The following is an entry in ClinVar:

NM_002661.5(PLCG2):c.3015C>T (p.Cys1005=)

Gene: PLCG2 (phospholipase C gamma 2; plus strand). Cytogenetic location: 16q23.3.
Variant type: single nucleotide variant.
Coding change: c.3015C>T on transcript NM_002661.5 (MANE Select); coding-DNA position 3015, C replaced by T.
Protein change: p.Cys1005=; no amino-acid change (cysteine 1005 retained).
Molecular consequence: synonymous variant.
Genome position (GRCh38, 1-based): chr16:81,936,341, C>T. VCF-style: chr16-81936341-C-T. GRCh37 (hg19) VCF-style: chr16-81969946-C-T.
Identifiers: ClinVar variation 1109185 (VCV001109185.33), dbSNP rs374501993, ClinGen allele CA8194509.

ClinVar aggregate classification (germline): Likely benign. Review status: criteria provided, multiple submitters, no conflicts (2 of 4 stars). 3 submissions from 3 submitters: Likely benign (3). Last evaluated 2026-01-06.

Conditions:
Familial cold autoinflammatory syndrome 3 (FCAS3). Also called: FAMILIAL ATYPICAL COLD URTICARIA; ANTIBODY DEFICIENCY AND IMMUNE DYSREGULATION, PLCG2-ASSOCIATED. Identifiers: Orphanet 300359, MedGen C3280914, MONDO:0013766, OMIM 614468.

Allele frequency attached by ClinVar (database versions not stated): gnomAD exomes 0.00005; ExAC 0.00008; ESP Exome Variant Server 0.00008; gnomAD 0.00008 and 0.00009; TOPMed 0.00014.
gnomAD v4.1: 88 of 1,613,954 alleles (0.0055%); highest among the groups gnomAD compares: African/African-American, 0.023%; no homozygotes.

Submissions (3):

Labcorp Genetics (formerly Invitae), Labcorp
Classification: Likely benign for Familial cold autoinflammatory syndrome 3. Last evaluated: 2026-01-06. Review status: criteria provided, single submitter. Criteria: Invitae Variant Classification Sherloc (09022015). Collection method: clinical testing. Allele origin: germline.

Blueprint Genetics
Classification: Likely benign. Last evaluated: 2024-06-26. Review status: criteria provided, single submitter. Criteria: ACMG Guidelines, 2015. Collection method: clinical testing. Allele origin: germline.

CeGaT Center for Human Genetics Tuebingen
Classification: Likely benign. Last evaluated: 2022-03-01. Review status: criteria provided, single submitter. Criteria: CeGaT Center For Human Genetics Tuebingen Variant Classification Criteria Version 2. Collection method: clinical testing. Allele origin: germline. Affected: yes. Observed: 1 variant allele.
Comment: PLCG2: BP4, BP7